The following is an entry in ClinVar:

ClinVar aggregate classification (germline): Benign. Review status: criteria provided, multiple submitters, no conflicts (2 of 4 stars). 3 submissions from 3 submitters: Benign (3). Last evaluated 2025-12-17.

Conditions:
Renal tubular dysgenesis. Also called: Renotubular dysgenesis. Identifiers: Orphanet 3033, MedGen C0266313, MONDO:0017609, HP:0008660.

Allele frequency attached by ClinVar (database versions not stated): 1000 Genomes Project 0.00699; 1000 Genomes Project 30x 0.00750; TOPMed 0.00758; ESP Exome Variant Server 0.00830.
gnomAD v4.1: 2,287 of 1,613,478 alleles (0.14%); highest among the groups gnomAD compares: African/African-American, 2.3%; 21 homozygotes.

Submissions (3):

Labcorp Genetics (formerly Invitae), Labcorp
Classification: Benign. Last evaluated: 2025-12-17. Review status: criteria provided, single submitter. Criteria: Invitae Variant Classification Sherloc (09022015). Collection method: clinical testing. Allele origin: germline.

Illumina Laboratory Services, Illumina
Classification: Benign for Renal tubular dysgenesis of genetic origin. Last evaluated: 2017-04-27. Review status: criteria provided, single submitter. Criteria: ICSL Variant Classification Criteria 13 December 2019. Collection method: clinical testing. Allele origin: germline.
Comment: This variant was observed as part of a predisposition screen in an ostensibly healthy population. A literature search was performed for the gene, cDNA change, and amino acid change (where applicable). No publications were found based on this search. Allele frequency data from public databases was too high to be consistent with this variant causing disease. Therefore, this variant is classified as benign.

Breakthrough Genomics
Classification: Benign. Review status: criteria provided, single submitter. Criteria: ACMG Guidelines, 2015. Collection method: not provided. Allele origin: germline. Inheritance: Autosomal recessive inheritance. Affected: yes.

NM_000789.4(ACE):c.1341G>C (p.Thr447=)

Gene: ACE (angiotensin I converting enzyme; plus strand). Cytogenetic location: 17q23.3.
Variant type: single nucleotide variant.
Coding change: c.1341G>C on transcript NM_000789.4 (MANE Select); coding-DNA position 1341, G replaced by C.
Protein change: p.Thr447=; no amino-acid change (threonine 447 retained).
Molecular consequence: synonymous variant.
Genome position (GRCh38, 1-based): chr17:63,482,688, G>C. VCF-style: chr17-63482688-G-C. GRCh37 (hg19) VCF-style: chr17-61560049-G-C.
Identifiers: ClinVar variation 778744 (VCV000778744.14), dbSNP rs34241302, ClinGen allele CA8699483.